The following is an entry in ClinVar:

ClinVar aggregate classification (germline): Uncertain significance. Review status: criteria provided, multiple submitters, no conflicts (2 of 4 stars). 3 submissions from 3 submitters: Uncertain significance (3). Last evaluated 2025-08-16.

Conditions:
Inborn genetic diseases. Identifiers: MedGen C0950123, MeSH D030342.

gnomAD v4.1: 7 of 1,614,016 alleles (0.00043%); highest among the groups gnomAD compares: Admixed American, 0.0067%; no homozygotes.

Submissions (3):

Labcorp Genetics (formerly Invitae), Labcorp
Classification: Uncertain significance. Last evaluated: 2025-08-16. Review status: criteria provided, single submitter. Criteria: Invitae Variant Classification Sherloc (09022015). Collection method: clinical testing. Allele origin: germline.
Comment: This sequence change replaces glutamic acid, which is acidic and polar, with glutamine, which is neutral and polar, at codon 226 of the ETV6 protein (p.Glu226Gln). This variant is not present in population databases (gnomAD no frequency). This variant has not been reported in the literature in individuals affected with ETV6-related conditions. ClinVar contains an entry for this variant (Variation ID: 3370179). Invitae Evidence Modeling of protein sequence and biophysical properties (such as structural, functional, and spatial information, amino acid conservation, physicochemical variation, residue mobility, and thermodynamic stability) indicates that this missense variant is not expected to disrupt ETV6 protein function with a negative predictive value of 80%. In summary, the available evidence is currently insufficient to determine the role of this variant in disease. Therefore, it has been classified as a Variant of Uncertain Significance.

Ambry Genetics
Classification: Uncertain significance for Inborn genetic diseases. Last evaluated: 2024-11-22. Review status: criteria provided, single submitter. Criteria: Ambry Variant Classification Scheme 2023. Collection method: clinical testing. Allele origin: germline.
Comment: The p.E226Q variant (also known as c.676G>C), located in coding exon 5 of the ETV6 gene, results from a G to C substitution at nucleotide position 676. The glutamic acid at codon 226 is replaced by glutamine, an amino acid with highly similar properties. This amino acid position is conserved. In addition, this alteration is predicted to be tolerated by in silico analysis. Based on the available evidence, the clinical significance of this variant remains unclear.

GeneDx
Classification: Uncertain significance. Last evaluated: 2023-12-22. Review status: criteria provided, single submitter. Criteria: GeneDx Variant Classification Process June 2021. Collection method: clinical testing. Allele origin: germline. Affected: yes.
Comment: Not observed at significant frequency in large population cohorts (gnomAD); In silico analysis supports that this missense variant does not alter protein structure/function; Has not been previously published as pathogenic or benign to our knowledge; This variant is associated with the following publications: (PMID: 28555414, 28637624)

NM_001987.5(ETV6):c.676G>C (p.Glu226Gln)

Gene: ETV6 (ETS variant transcription factor 6; plus strand). Cytogenetic location: 12p13.2.
Variant type: single nucleotide variant.
Coding change: c.676G>C on transcript NM_001987.5 (MANE Select); coding-DNA position 676, G replaced by C.
Protein change: p.Glu226Gln; replaces glutamic acid 226 with glutamine.
Molecular consequence: missense variant.
Genome position (GRCh38, 1-based): chr12:11,869,636, G>C. VCF-style: chr12-11869636-G-C. GRCh37 (hg19) VCF-style: chr12-12022570-G-C.
Other names: c.649G>C, p.Glu217Gln (NM_001413914.1); c.412G>C, p.Glu138Gln (NM_001413915.1); c.676G>C, p.Glu226Gln (NM_001413916.1, NM_001413917.1); c.673G>C, p.Glu225Gln (NM_001413913.1); short protein forms E138Q, E217Q, E225Q, E226Q.
Identifiers: ClinVar variation 3370179 (VCV003370179.4).